The following is an entry in ClinVar:

NM_001162501.2(TNRC6B):c.1772G>A (p.Arg591Gln)

Gene: TNRC6B (trinucleotide repeat containing adaptor 6B; plus strand). Cytogenetic location: 22q13.1.
Variant type: single nucleotide variant.
Coding change: c.1772G>A on transcript NM_001162501.2 (MANE Select); coding-DNA position 1772, G replaced by A.
Protein change: p.Arg591Gln; replaces arginine 591 with glutamine.
Molecular consequence: missense variant. On other transcripts: intron variant (1).
Genome position (GRCh38, 1-based): chr22:40,266,002, G>A. VCF-style: chr22-40266002-G-A. GRCh37 (hg19) VCF-style: chr22-40662006-G-A.
Other names: c.1772G>A, p.Arg591Gln (NM_015088.3); c.565+3829G>A (NM_001024843.2); c.1772G>A (NM_001162501.1); short protein forms R591Q.
Identifiers: ClinVar variation 1334742 (VCV001334742.5), dbSNP rs2070473790, ClinGen allele CA411630871.

ClinVar aggregate classification (germline): Uncertain significance. Review status: criteria provided, multiple submitters, no conflicts (2 of 4 stars). 2 submissions from 2 submitters: Uncertain significance (2). Last evaluated 2025-02-13.

Conditions:
Inborn genetic diseases. Identifiers: MedGen C0950123, MeSH D030342.

Submissions (2):

Ambry Genetics
Classification: Uncertain significance for Inborn genetic diseases. Last evaluated: 2025-02-13. Review status: criteria provided, single submitter. Criteria: Ambry Variant Classification Scheme 2023. Collection method: clinical testing. Allele origin: germline.

Greenwood Genetic Center Diagnostic Laboratories, Greenwood Genetic Center
Classification: Uncertain significance. Last evaluated: 2021-04-21. Review status: criteria provided, single submitter. Criteria: ACMG Guidelines, 2015. Collection method: clinical testing. Allele origin: germline. Affected: yes.
Comment: PM2